The following is an entry in ClinVar:

NM_000215.4(JAK3):c.2105T>C (p.Leu702Pro)

Gene: JAK3 (Janus kinase 3; minus strand). Cytogenetic location: 19p13.11.
Variant type: single nucleotide variant.
Coding change: c.2105T>C on transcript NM_000215.4 (MANE Select); coding-DNA position 2105, T replaced by C.
Protein change: p.Leu702Pro; replaces leucine 702 with proline.
Molecular consequence: missense variant.
Genome position (GRCh38, 1-based): chr19:17,834,946, A>G on the plus strand (T>C on the coding strand, the complement: JAK3 is on the minus strand). VCF-style: chr19-17834946-A-G. GRCh37 (hg19) VCF-style: chr19-17945755-A-G.
Other names: short protein forms L702P.
Identifiers: ClinVar variation 639761 (VCV000639761.6), dbSNP rs772117537, ClinGen allele CA9301679.

ClinVar aggregate classification (germline): Uncertain significance (1 of 4 stars; one submission).

Conditions:
T-B+ severe combined immunodeficiency due to JAK3 deficiency. Also called: SCID, T CELL-NEGATIVE, B CELL-POSITIVE, NK CELL-NEGATIVE; SCID, autosomal recessive, T-negative/B-positive type. Identifiers: Orphanet 35078, MedGen C1833275, MONDO:0010938, OMIM 600802.

Allele frequency attached by ClinVar (database versions not stated): gnomAD 0.00001; gnomAD exomes 0.00001; TOPMed 0.00001; ExAC 0.00002.
gnomAD v4.1: 31 of 1,614,046 alleles (0.0019%); highest among the groups gnomAD compares: Non-Finnish European, 0.0025%; no homozygotes.

Submission:

Labcorp Genetics (formerly Invitae), Labcorp
Classification: Uncertain significance for T-B+ severe combined immunodeficiency due to JAK3 deficiency. Last evaluated: 2021-09-02. Review status: criteria provided, single submitter. Criteria: Invitae Variant Classification Sherloc (09022015). Collection method: clinical testing. Allele origin: germline.
Comment: This sequence change replaces leucine with proline at codon 702 of the JAK3 protein (p.Leu702Pro). The leucine residue is highly conserved and there is a moderate physicochemical difference between leucine and proline. This variant is present in population databases (rs772117537, ExAC 0.003%). This variant has not been reported in the literature in individuals affected with JAK3-related conditions. Algorithms developed to predict the effect of missense changes on protein structure and function are either unavailable or do not agree on the potential impact of this missense change (SIFT: "Deleterious"; PolyPhen-2: "Probably Damaging"; Align-GVGD: "Class C0"). In summary, the available evidence is currently insufficient to determine the role of this variant in disease. Therefore, it has been classified as a Variant of Uncertain Significance.